The following is an entry in ClinVar:

NM_000117.3(EMD):c.436G>A (p.Glu146Lys)

Gene: EMD (emerin; plus strand). Cytogenetic location: Xq28.
Variant type: single nucleotide variant.
Coding change: c.436G>A on transcript NM_000117.3 (MANE Select); coding-DNA position 436, G replaced by A.
Protein change: p.Glu146Lys; replaces glutamic acid 146 with lysine.
Molecular consequence: missense variant.
Genome position (GRCh38, 1-based): chrX:154,380,789, G>A. VCF-style: chrX-154380789-G-A. GRCh37 (hg19) VCF-style: chrX-153609149-G-A.
Other names: short protein forms E146K.
Identifiers: ClinVar variation 373243 (VCV000373243.10), dbSNP rs782732591, ClinGen allele CA10561606.

ClinVar aggregate classification (germline): Uncertain significance. Review status: criteria provided, multiple submitters, no conflicts (2 of 4 stars). 3 submissions from 3 submitters: Uncertain significance (3). Last evaluated 2025-07-09.

Conditions:
Cardiovascular phenotype. Identifiers: MedGen CN230736.
X-linked Emery-Dreifuss muscular dystrophy. Also called: Muscular dystrophy, tardive Emery-Dreifuss type, with contractures. Identifiers: Orphanet 261, Orphanet 98863, MedGen C0751337, MONDO:0010680.

Allele frequency attached by ClinVar (database versions not stated): gnomAD 0.00001; gnomAD exomes 0.00001; ExAC 0.00002; TOPMed 0.00002.

Submissions (3):

Labcorp Genetics (formerly Invitae), Labcorp
Classification: Uncertain significance for X-linked Emery-Dreifuss muscular dystrophy. Last evaluated: 2025-07-09. Review status: criteria provided, single submitter. Criteria: Invitae Variant Classification Sherloc (09022015). Collection method: clinical testing. Allele origin: germline.
Comment: This sequence change replaces glutamic acid, which is acidic and polar, with lysine, which is basic and polar, at codon 146 of the EMD protein (p.Glu146Lys). This variant is present in population databases (rs782732591, gnomAD 0.004%). This variant has not been reported in the literature in individuals affected with EMD-related conditions. ClinVar contains an entry for this variant (Variation ID: 373243). Invitae Evidence Modeling of protein sequence and biophysical properties (such as structural, functional, and spatial information, amino acid conservation, physicochemical variation, residue mobility, and thermodynamic stability) indicates that this missense variant is not expected to disrupt EMD protein function with a negative predictive value of 80%. In summary, the available evidence is currently insufficient to determine the role of this variant in disease. Therefore, it has been classified as a Variant of Uncertain Significance.

Ambry Genetics
Classification: Uncertain significance for Cardiovascular phenotype. Last evaluated: 2020-08-03. Review status: criteria provided, single submitter. Criteria: Ambry Variant Classification Scheme 2023. Collection method: clinical testing. Allele origin: germline.
Comment: The p.E146K variant (also known as c.436G>A), located in coding exon 5 of the EMD gene, results from a G to A substitution at nucleotide position 436. The glutamic acid at codon 146 is replaced by lysine, an amino acid with similar properties. This amino acid position is well conserved in available vertebrate species. In addition, this alteration is predicted to be tolerated by in silico analysis. Since supporting evidence is limited at this time, the clinical significance of this alteration remains unclear.

GeneDx
Classification: Uncertain significance. Last evaluated: 2016-11-21. Review status: criteria provided, single submitter. Criteria: GeneDx Variant Classification (06012015). Collection method: clinical testing. Allele origin: germline. Affected: yes.
Comment: A variant of uncertain significance has been identified in the EMD gene. The E146K variant has not been published as a pathogenic variant, nor has it been reported as a benign variant to our knowledge. This variant was not observed in approximately 6,500 individuals of European and African American ancestry in the NHLBI Exome Sequencing Project, indicating it is not a common benign variant in these population. The E146K variant is a non-conservative amino acid substitution, which is likely to impact secondary protein structure as these residues differ in polarity, charge, size and/or other properties. However, this substitution occurs at a position that is not conserved across species, and in silico analysis is inconsistent in its predictions as to whether or not the variant is damaging to the protein structure/function.Therefore, based on the currently available information, it is unclear whether this variant is pathogenic or benign.